The following is an entry in ClinVar:

NM_001283009.2(RTEL1):c.2938C>T (p.Pro980Ser)

Genes: RTEL1 (regulator of telomere elongation helicase 1; plus strand), RTEL1-TNFRSF6B (RTEL1-TNFRSF6B readthrough (NMD candidate); plus strand). Cytogenetic location: 20q13.33.
Variant type: single nucleotide variant.
Coding change: c.2938C>T on transcript NM_001283009.2 (MANE Select); coding-DNA position 2938, C replaced by T.
Protein change: p.Pro980Ser; replaces proline 980 with serine.
Molecular consequence: missense variant. On other transcripts: non-coding transcript variant (1).
Genome position (GRCh38, 1-based): chr20:63,693,229, C>T. VCF-style: chr20-63693229-C-T. GRCh37 (hg19) VCF-style: chr20-62324582-C-T.
Other names: c.2269C>T, p.Pro757Ser (NM_001283010.1); c.2938C>T, p.Pro980Ser (NM_016434.4); c.3010C>T, p.Pro1004Ser (NM_032957.5); short protein forms P980S, P1004S, P757S.
Identifiers: ClinVar variation 3948394 (VCV003948394.1).

ClinVar aggregate classification (germline): Uncertain significance (1 of 4 stars; one submission).

Conditions:
Inborn genetic diseases. Identifiers: MedGen C0950123, MeSH D030342.

gnomAD v4.1: 4 of 1,611,984 alleles (0.00025%); highest among the groups gnomAD compares: Non-Finnish European, 0.00034%; no homozygotes.

Submission:

Ambry Genetics
Classification: Uncertain significance for Inborn genetic diseases. Last evaluated: 2025-05-15. Review status: criteria provided, single submitter. Criteria: Ambry Variant Classification Scheme 2023. Collection method: clinical testing. Allele origin: germline.
Comment: The p.P980S variant (also known as c.2938C>T), located in coding exon 29 of the RTEL1 gene, results from a C to T substitution at nucleotide position 2938. The proline at codon 980 is replaced by serine, an amino acid with similar properties. This amino acid position is conserved. In addition, this alteration is predicted to be tolerated by in silico analysis. Based on the available evidence, the clinical significance of this variant remains unclear.